The following is an entry in ClinVar:

ClinVar aggregate classification (germline): Uncertain significance (1 of 4 stars; one submission).

Conditions:
Pyruvate carboxylase deficiency. Also called: Pyruvate Carboxylase Deficiency Disease; LEIGH NECROTIZING ENCEPHALOPATHY DUE TO PYRUVATE CARBOXYLASE DEFICIENCY; LEIGH SYNDROME DUE TO PYRUVATE CARBOXYLASE DEFICIENCY; PC DEFICIENCY; ATAXIA WITH LACTIC ACIDOSIS II. Identifiers: Orphanet 3008, MedGen C0034341, MONDO:0009949, OMIM 266150.

Submission:

Labcorp Genetics (formerly Invitae), Labcorp
Classification: Uncertain significance for Pyruvate carboxylase deficiency. Last evaluated: 2023-08-30. Review status: criteria provided, single submitter. Criteria: Invitae Variant Classification Sherloc (09022015). Collection method: clinical testing. Allele origin: germline.
Comment: This sequence change replaces glutamic acid, which is acidic and polar, with lysine, which is basic and polar, at codon 1176 of the PC protein (p.Glu1176Lys). This variant has not been reported in the literature in individuals affected with PC-related conditions. This variant is present in population databases (no rsID available, gnomAD 0.0009%). ClinVar contains an entry for this variant (Variation ID: 1909095). Advanced modeling of protein sequence and biophysical properties (such as structural, functional, and spatial information, amino acid conservation, physicochemical variation, residue mobility, and thermodynamic stability) performed at Invitae indicates that this missense variant is not expected to disrupt PC protein function. In summary, the available evidence is currently insufficient to determine the role of this variant in disease. Therefore, it has been classified as a Variant of Uncertain Significance.

NM_001040716.2(PC):c.3526G>A (p.Glu1176Lys)

Gene: PC (pyruvate carboxylase; minus strand). Cytogenetic location: 11q13.2.
Variant type: single nucleotide variant.
Coding change: c.3526G>A on transcript NM_001040716.2 (MANE Select); coding-DNA position 3526, G replaced by A.
Protein change: p.Glu1176Lys; replaces glutamic acid 1176 with lysine.
Molecular consequence: missense variant.
Genome position (GRCh38, 1-based): chr11:66,848,910, C>T on the plus strand (G>A on the coding strand, the complement: PC is on the minus strand). VCF-style: chr11-66848910-C-T. GRCh37 (hg19) VCF-style: chr11-66616381-C-T.
Other names: c.3526G>A, p.Glu1176Lys (NM_000920.4, NM_022172.3); short protein forms E1176K.
Identifiers: ClinVar variation 1909095 (VCV001909095.5), dbSNP rs1395412428, ClinGen allele CA381489038.